The following is an entry in ClinVar:

NM_000781.3(CYP11A1):c.610C>T (p.Arg204Cys)

Gene: CYP11A1 (cytochrome P450 family 11 subfamily A member 1; minus strand). Cytogenetic location: 15q24.1.
Variant type: single nucleotide variant.
Coding change: c.610C>T on transcript NM_000781.3 (MANE Select); coding-DNA position 610, C replaced by T.
Protein change: p.Arg204Cys; replaces arginine 204 with cysteine.
Molecular consequence: missense variant.
Genome position (GRCh38, 1-based): chr15:74,345,059, G>A on the plus strand (C>T on the coding strand, the complement: CYP11A1 is on the minus strand). VCF-style: chr15-74345059-G-A. GRCh37 (hg19) VCF-style: chr15-74637400-G-A.
Other names: c.136C>T, p.Arg46Cys (NM_001099773.2); short protein forms R204C, R46C.
Identifiers: ClinVar variation 2237322 (VCV002237322.4), dbSNP rs746351603, ClinGen allele CA7656534.

ClinVar aggregate classification (germline): Uncertain significance. Review status: criteria provided, multiple submitters, no conflicts (2 of 4 stars). 3 submissions from 3 submitters: Uncertain significance (3). Last evaluated 2025-08-02.

Conditions:
CYP11A1-related disorder. Also called: CYP11A1-related condition.
Inborn genetic diseases. Identifiers: MedGen C0950123, MeSH D030342.
Congenital adrenal insufficiency with 46, XY sex reversal OR 46,XY disorder of sex development-adrenal insufficiency due to CYP11A1 deficiency. Also called: P450scc DEFICIENCY; Congenital adrenal insuffiency with 46, XY sex reversal OR 46,XY disorder of sex development-adrenal insufficiency due to CYP11A1 deficiency. Identifiers: Orphanet 168558, MedGen C3151055, MONDO:0013400, OMIM 613743.

Allele frequency attached by ClinVar (database versions not stated): TOPMed 0.00001.
gnomAD v4.1: 39 of 1,613,880 alleles (0.0024%); highest among the groups gnomAD compares: Middle Eastern, 0.016%; no homozygotes.

Submissions (3):

PreventionGenetics, part of Exact Sciences
Classification: Uncertain significance for CYP11A1-related condition. Last evaluated: 2025-08-02. Review status: criteria provided, single submitter. Criteria: ACMG Guidelines, 2015. Collection method: clinical testing. Allele origin: germline.
Comment: The CYP11A1 c.610C>T variant is predicted to result in the amino acid substitution p.Arg204Cys. To our knowledge, this variant has not been reported in the literature. This variant is reported in 0.0018% of alleles in individuals of European (Non-Finnish) descent in gnomAD. At this time, the clinical significance of this variant is uncertain due to the absence of conclusive functional and genetic evidence.

Fulgent Genetics
Classification: Uncertain significance for Congenital adrenal insufficiency with 46, XY sex reversal OR 46,XY disorder of sex development-adrenal insufficiency due to CYP11A1 deficiency. Last evaluated: 2024-04-02. Review status: criteria provided, single submitter. Criteria: ACMG Guidelines, 2015. Collection method: clinical testing. Allele origin: germline.

Ambry Genetics
Classification: Uncertain significance for Inborn genetic diseases. Last evaluated: 2021-07-14. Review status: criteria provided, single submitter. Criteria: Ambry Variant Classification Scheme 2023. Collection method: clinical testing. Allele origin: germline.